The following is an entry in ClinVar:

ClinVar aggregate classification (germline): Uncertain significance (1 of 4 stars; one submission).

gnomAD v4.1: 34 of 1,614,052 alleles (0.0021%); highest among the groups gnomAD compares: Admixed American, 0.0067%; no homozygotes.

Submission:

Labcorp Genetics (formerly Invitae), Labcorp
Classification: Uncertain significance. Last evaluated: 2025-12-23. Review status: criteria provided, single submitter. Criteria: Invitae Variant Classification Sherloc (09022015). Collection method: clinical testing. Allele origin: germline.
Comment: This sequence change replaces proline, which is neutral and non-polar, with leucine, which is neutral and non-polar, at codon 3851 of the MACF1 protein (p.Pro3851Leu). This variant is present in population databases (rs745495678, gnomAD 0.009%). This variant has not been reported in the literature in individuals affected with MACF1-related conditions. An algorithm developed to predict the effect of missense changes on protein structure and function (PolyPhen-2) suggests that this variant is likely to be disruptive. In summary, the available evidence is currently insufficient to determine the role of this variant in disease. Therefore, it has been classified as a Variant of Uncertain Significance.

NM_001394062.1(MACF1):c.17738C>T (p.Pro5913Leu)

Gene: MACF1 (microtubule actin crosslinking factor 1; plus strand). Cytogenetic location: 1p34.3.
Variant type: single nucleotide variant.
Coding change: c.17738C>T on transcript NM_001394062.1 (MANE Select); coding-DNA position 17738, C replaced by T.
Protein change: p.Pro5913Leu; replaces proline 5913 with leucine.
Molecular consequence: missense variant.
Genome position (GRCh38, 1-based): chr1:39,434,586, C>T. VCF-style: chr1-39434586-C-T. GRCh37 (hg19) VCF-style: chr1-39900258-C-T.
Other names: c.5807C>T, p.Pro1936Leu (NM_001397473.1); c.11552C>T, p.Pro3851Leu (NM_012090.5); short protein forms P3851L, P1936L, P5913L.
Identifiers: ClinVar variation 4753698 (VCV004753698.1).